The following is an entry in ClinVar:

NM_001035.3(RYR2):c.6888G>A (p.Glu2296=)

Gene: RYR2 (ryanodine receptor 2; plus strand). Cytogenetic location: 1q43.
Variant type: single nucleotide variant.
Coding change: c.6888G>A on transcript NM_001035.3 (MANE Select); coding-DNA position 6888, G replaced by A.
Protein change: p.Glu2296=; no amino-acid change (glutamic acid 2296 retained).
Molecular consequence: synonymous variant.
Genome position (GRCh38, 1-based): chr1:237,638,452, G>A. VCF-style: chr1-237638452-G-A. GRCh37 (hg19) VCF-style: chr1-237801752-G-A.
Identifiers: ClinVar variation 2578599 (VCV002578599.25), dbSNP rs2546959476, ClinGen allele CA423818947.

ClinVar aggregate classification (germline): Likely benign (1 of 4 stars; one submission).

Submission:

CeGaT Center for Human Genetics Tuebingen
Classification: Likely benign. Last evaluated: 2023-07-01. Review status: criteria provided, single submitter. Criteria: CeGaT Center For Human Genetics Tuebingen Variant Classification Criteria Version 2. Collection method: clinical testing. Allele origin: germline. Affected: yes. Observed: 1 variant allele.
Comment: RYR2: PM2:Supporting, BP4, BP7